The following is an entry in ClinVar:

ClinVar aggregate classification (germline): Uncertain significance (1 of 4 stars; one submission).

Conditions:
Inborn genetic diseases. Identifiers: MedGen C0950123, MeSH D030342.

Submission:

Ambry Genetics
Classification: Uncertain significance for Inborn genetic diseases. Last evaluated: 2025-08-11. Review status: criteria provided, single submitter. Criteria: Ambry Variant Classification Scheme 2023. Collection method: clinical testing. Allele origin: germline.
Comment: The p.W306L variant (also known as c.917G>T), located in coding exon 4 of the WT1 gene, results from a G to T substitution at nucleotide position 917. The tryptophan at codon 306 is replaced by leucine, an amino acid with similar properties. This amino acid position is conserved. In addition, the in silico prediction for this alteration is inconclusive. Based on the available evidence, the clinical significance of this variant remains unclear.

NM_024426.6(WT1):c.932G>T (p.Trp311Leu)

Gene: WT1 (WT1 transcription factor; minus strand). Cytogenetic location: 11p13.
Variant type: single nucleotide variant.
Coding change: c.932G>T on transcript NM_024426.6 (MANE Select); coding-DNA position 932, G replaced by T.
Protein change: p.Trp311Leu; replaces tryptophan 311 with leucine.
Molecular consequence: missense variant. On other transcripts: non-coding transcript variant (2).
Genome position (GRCh38, 1-based): chr11:32,417,610, C>A on the plus strand (G>T on the coding strand, the complement: WT1 is on the minus strand). VCF-style: chr11-32417610-C-A. GRCh37 (hg19) VCF-style: chr11-32439156-C-A.
Other names: c.932G>T, p.Trp311Leu (NM_000378.6, NM_001407044.1, NM_001407045.1 and 4 more transcripts); c.281G>T, p.Trp94Leu (NM_001198551.2, NM_001198552.2); c.809G>T, p.Trp270Leu (NM_001407047.1, NM_001407050.1); c.170G>T, p.Trp57Leu (NM_001407051.1); c.713G>T, p.Trp238Leu (NM_001429031.1, NM_001429032.1, NM_001429033.1 and 1 more transcripts); short protein forms W238L, W311L, W270L, W306L, W57L, W94L.
Identifiers: ClinVar variation 4202239 (VCV004202239.1).